The following is an entry in ClinVar:

NM_007294.4(BRCA1):c.5516_5525del (p.Val1838_Leu1839insTer)

Gene: BRCA1 (BRCA1 DNA repair associated; minus strand). Cytogenetic location: 17q21.31.
Variant type: Deletion.
Coding change: c.5516_5525del on transcript NM_007294.4 (MANE Select); coding-DNA positions 5516 to 5525, 10 bases deleted (TGGACAGTGT; older notation c.5516_5525delTGGACAGTGT).
Protein change: p.Val1838_Leu1839insTer.
Molecular consequence: nonsense. On other transcripts: 3 prime UTR variant (17).
Genome position (GRCh38, 1-based): chr17:43,045,745-43,045,754, ACACTGTCCA deleted on the plus strand (TGGACAGTGT on the coding strand, the reverse complement: BRCA1 is on the minus strand); deleting any 10 consecutive bases within chr17:43,045,745-43,045,758 gives the same sequence; the c. name uses the placement nearest the transcript's 3' end. VCF-style (leftmost placement, unchanged base first): chr17-43045744-TACACTGTCCA-T. GRCh37 (hg19) VCF-style: chr17-41197761-TACACTGTCCA-T.
Other names: c.5387_5396del, p.Val1795_Leu1796insTer (NM_001407684.1, NM_001407685.1, NM_001407686.1 and 6 more transcripts); c.5384_5393del, p.Val1794_Leu1795insTer (NM_001407690.1, NM_001407691.1); c.5375_5384del, p.Val1791_Leu1792insTer (NM_001407692.1, NM_001407694.1, NM_001407695.1 and 12 more transcripts); c.5303_5312del, p.Val1767_Leu1768insTer (NM_001407571.1, NM_001407894.1, NM_001407895.1 and 12 more transcripts); c.5582_5591del, p.Val1860_Leu1861insTer (NM_001407581.1, NM_001407582.1); c.5579_5588del, p.Val1859_Leu1860insTer (NM_001407583.1, NM_001407585.1, NM_001407587.1 and 1 more transcripts); c.5576_5585del, p.Val1858_Leu1859insTer (NM_001407590.1, NM_001407591.1); c.5516_5525del, p.Val1838_Leu1839insTer (NM_001407593.1, NM_001407594.1, NM_001407596.1 and 5 more transcripts); and 74 more.
Identifiers: ClinVar variation 4852602 (VCV004852602.2).

ClinVar aggregate classification (germline): Pathogenic (1 of 4 stars; one submission).

Conditions:
Breast-ovarian cancer, familial, susceptibility to, 1 (BROVCA1). Also called: OVARIAN CANCER, SUSCEPTIBILITY TO; BRCA1 Hereditary Breast and Ovarian Cancer. Identifiers: Orphanet 145, MedGen C2676676, MONDO:0011450, OMIM 604370. Disease mechanism: loss of function.

Submission:

Dasa
Classification: Pathogenic for Breast-ovarian cancer, familial, susceptibility to, 1. Last evaluated: 2026-04-21. Review status: criteria provided, single submitter. Criteria: DASA Assertion Criteria. Collection method: clinical testing. Allele origin: germline.
Comment: NM_007294.4(BRCA1):c.5516_5525del (p.Leu1839*) is a nonsense variant in BRCA1 predicted to introduce a premature termination codon and is predicted to result in an absent or altered protein product. Loss of function is an established disease mechanism for BRCA1 (PMID: 32375709; PMID: 21989022; PMID: 11802209). The affected residue or protein region has prior evidence supporting clinical relevance. Also, this variant is rare in population databases. Based on the currently available evidence, this variant is classified as pathogenic.

Literature cited by the submitters: PubMed 32375709; PubMed 21989022; PubMed 11802209.